The following is an entry in ClinVar:

NM_000061.3(BTK):c.907G>A (p.Gly303Ser)

Gene: BTK (Bruton tyrosine kinase; minus strand). Cytogenetic location: Xq22.1.
Variant type: single nucleotide variant.
Coding change: c.907G>A on transcript NM_000061.3 (MANE Select); coding-DNA position 907, G replaced by A.
Protein change: p.Gly303Ser; replaces glycine 303 with serine.
Molecular consequence: missense variant.
Genome position (GRCh38, 1-based): chrX:101,358,684, C>T on the plus strand (G>A on the coding strand, the complement: BTK is on the minus strand). VCF-style: chrX-101358684-C-T. GRCh37 (hg19) VCF-style: chrX-100613672-C-T.
Other names: c.1009G>A, p.Gly337Ser (NM_001287344.2); c.907G>A, p.Gly303Ser (NM_001287345.2); short protein forms G337S, G303S.
Identifiers: ClinVar variation 2079505 (VCV002079505.4), dbSNP rs2520574154, ClinGen allele CA413929281.

ClinVar aggregate classification (germline): Uncertain significance (1 of 4 stars; one submission).

Conditions:
X-linked agammaglobulinemia with growth hormone deficiency (IGHD3). Also called: AGAMMAGLOBULINEMIA AND ISOLATED GROWTH HORMONE DEFICIENCY, X-LINKED; ISOLATED GROWTH HORMONE DEFICIENCY, TYPE III, WITH AGAMMAGLOBULINEMIA; FLEISHER SYNDROME; HYPOGAMMAGLOBULINEMIA AND ISOLATED GROWTH HORMONE DEFICIENCY, X-LINKED; IGHD III; Isolated growth hormone deficiency type 3. Identifiers: Orphanet 231692, Orphanet 631, MedGen C0472813, MONDO:0010615, OMIM 307200.

Submission:

Labcorp Genetics (formerly Invitae), Labcorp
Classification: Uncertain significance for X-linked agammaglobulinemia with growth hormone deficiency. Last evaluated: 2022-01-11. Review status: criteria provided, single submitter. Criteria: Invitae Variant Classification Sherloc (09022015). Collection method: clinical testing. Allele origin: germline.
Comment: This variant has not been reported in the literature in individuals affected with BTK-related conditions. In summary, the available evidence is currently insufficient to determine the role of this variant in disease. Therefore, it has been classified as a Variant of Uncertain Significance. Advanced modeling of protein sequence and biophysical properties (such as structural, functional, and spatial information, amino acid conservation, physicochemical variation, residue mobility, and thermodynamic stability) performed at Invitae indicates that this missense variant is not expected to disrupt BTK protein function. This variant is not present in population databases (gnomAD no frequency). This sequence change replaces glycine, which is neutral and non-polar, with serine, which is neutral and polar, at codon 303 of the BTK protein (p.Gly303Ser).